The following is an entry in ClinVar:

NM_000264.5(PTCH1):c.3610G>A (p.Val1204Met)

Gene: PTCH1 (patched 1; minus strand). Cytogenetic location: 9q22.32.
Variant type: single nucleotide variant.
Coding change: c.3610G>A on transcript NM_000264.5 (MANE Select); coding-DNA position 3610, G replaced by A.
Protein change: p.Val1204Met; replaces valine 1204 with methionine.
Molecular consequence: missense variant. On other transcripts: non-coding transcript variant (1).
Genome position (GRCh38, 1-based): chr9:95,449,263, C>T on the plus strand (G>A on the coding strand, the complement: PTCH1 is on the minus strand). VCF-style: chr9-95449263-C-T. GRCh37 (hg19) VCF-style: chr9-98211545-C-T.
Other names: c.3412G>A, p.Val1138Met (NM_001083602.3); c.3607G>A, p.Val1203Met (NM_001083603.3); c.3157G>A, p.Val1053Met (NM_001083604.3, NM_001083605.3, NM_001083606.3 and 1 more transcripts); c.3454G>A, p.Val1152Met (NM_001354918.2); c.3610G>A (NM_000264.4); short protein forms V1138M, V1204M, V1203M, V1152M, V1053M.
Identifiers: ClinVar variation 409129 (VCV000409129.20), dbSNP rs370675945, ClinGen allele CA5138104.

ClinVar aggregate classification (germline): Conflicting classifications of pathogenicity. Review status: criteria provided, conflicting classifications (1 of 4 stars). 4 submissions from 4 submitters: Uncertain significance (2); Benign (1); Likely benign (1). Last evaluated 2026-01-16.

Conditions:
Hereditary cancer-predisposing syndrome. Also called: Hereditary neoplastic syndrome; Neoplastic Syndromes, Hereditary; Tumor predisposition; Hereditary Cancer Syndrome. Identifiers: Orphanet 140162, MedGen C0027672, MeSH D009386, MONDO:0015356.
Gorlin syndrome. Also called: Nevoid Basal Cell Carcinoma Syndrome; Basal cell nevus syndrome. Identifiers: Orphanet 377, MedGen C0004779, MONDO:0007187.

Allele frequency attached by ClinVar (database versions not stated): ExAC below 0.00001; gnomAD 0.00002; TOPMed 0.00003; gnomAD exomes 0.00006; ESP Exome Variant Server 0.00015.
gnomAD v4.1: 83 of 1,565,616 alleles (0.0053%); highest among the groups gnomAD compares: Non-Finnish European, 0.0062%; no homozygotes.

Submissions (4):

Labcorp Genetics (formerly Invitae), Labcorp
Classification: Benign for Gorlin syndrome. Last evaluated: 2026-01-16. Review status: criteria provided, single submitter. Criteria: Invitae Variant Classification Sherloc (09022015). Collection method: clinical testing. Allele origin: germline.

Quest Diagnostics Nichols Institute San Juan Capistrano
Classification: Uncertain significance. Last evaluated: 2025-08-27. Review status: criteria provided, single submitter. Criteria: Quest Diagnostics criteria. Collection method: clinical testing. Allele origin: unknown.
Comment: The PTCH1 c.3610G>A (p.Val1204Met) variant has been reported in the published literature in individuals with colorectal cancer (PMID: 29338072 (2018)). The frequency of this variant in the general population (Genome Aggregation Database) is uninformative in the assessment of its pathogenicity. Analysis of this variant using bioinformatics tools for the prediction of the effect of amino acid changes on protein structure and function yielded predictions that this variant is benign. Based on the available information, we are unable to determine the clinical significance of this variant.

Ambry Genetics
Classification: Likely benign for Hereditary cancer-predisposing syndrome. Last evaluated: 2023-04-17. Review status: criteria provided, single submitter. Criteria: Ambry Variant Classification Scheme 2023. Collection method: clinical testing. Allele origin: germline.

Revvity Omics, Revvity
Classification: Uncertain significance. Last evaluated: 2022-03-31. Review status: criteria provided, single submitter. Criteria: ACMG Guidelines, 2015. Collection method: clinical testing. Allele origin: germline.

Literature cited by the submitters: PubMed 29338072 (cited by Quest Diagnostics Nichols Institute San Juan Capistrano).